The following is an entry in ClinVar:

NM_014639.4(SKIC3):c.252T>G (p.Tyr84Ter)

Gene: SKIC3 (SKI3 subunit of superkiller complex; minus strand). Cytogenetic location: 5q15.
Variant type: single nucleotide variant.
Coding change: c.252T>G on transcript NM_014639.4 (MANE Select); coding-DNA position 252, T replaced by G.
Protein change: p.Tyr84Ter; replaces tyrosine 84 with a stop codon.
Molecular consequence: nonsense.
Genome position (GRCh38, 1-based): chr5:95,541,889, A>C on the plus strand (T>G on the coding strand, the complement: SKIC3 is on the minus strand). VCF-style: chr5-95541889-A-C. GRCh37 (hg19) VCF-style: chr5-94877593-A-C.
Other names: short protein forms Y84*.
Identifiers: ClinVar variation 3706359 (VCV003706359.2).

ClinVar aggregate classification (germline): Pathogenic (1 of 4 stars; one submission).

Submission:

Labcorp Genetics (formerly Invitae), Labcorp
Classification: Pathogenic. Last evaluated: 2024-03-08. Review status: criteria provided, single submitter. Criteria: Invitae Variant Classification Sherloc (09022015). Collection method: clinical testing. Allele origin: germline.
Comment: This sequence change creates a premature translational stop signal (p.Tyr84*) in the TTC37 gene. It is expected to result in an absent or disrupted protein product. Loss-of-function variants in TTC37 are known to be pathogenic (PMID: 20176027, 21120949). This variant is not present in population databases (gnomAD no frequency). This variant has not been reported in the literature in individuals affected with TTC37-related conditions. Algorithms developed to predict the effect of sequence changes on RNA splicing suggest that this variant may disrupt the consensus splice site. For these reasons, this variant has been classified as Pathogenic.

Literature cited by the submitters: PubMed 20176027; PubMed 21120949.